The following is an entry in ClinVar:

ClinVar aggregate classification (germline): Likely benign (1 of 4 stars; one submission).

gnomAD v4.1: 7 of 1,614,014 alleles (0.00043%); highest among the groups gnomAD compares: Non-Finnish European, 0.00059%; no homozygotes.

Submission:

CeGaT Center for Human Genetics Tuebingen
Classification: Likely benign. Last evaluated: 2026-06-01. Review status: criteria provided, single submitter. Criteria: CeGaT Center For Human Genetics Tuebingen Variant Classification Criteria Version 2. Collection method: clinical testing. Allele origin: germline. Affected: yes. Observed: 1 variant allele.
Comment: SLC36A2: BP4

NM_181776.3(SLC36A2):c.1254G>A (p.Leu418=)

Gene: SLC36A2 (solute carrier family 36 member 2; minus strand). Cytogenetic location: 5q33.1.
Variant type: single nucleotide variant.
Coding change: c.1254G>A on transcript NM_181776.3 (MANE Select); coding-DNA position 1254, G replaced by A.
Protein change: p.Leu418=; no amino-acid change (leucine 418 retained).
Molecular consequence: synonymous variant.
Genome position (GRCh38, 1-based): chr5:151,317,015, C>T on the plus strand (G>A on the coding strand, the complement: SLC36A2 is on the minus strand). VCF-style: chr5-151317015-C-T. GRCh37 (hg19) VCF-style: chr5-150696576-C-T.
Identifiers: ClinVar variation 4875160 (VCV004875160.2).
Genomic context (GRCh38, chr5:151,317,015, plus strand): 5'-GGGGCTCATGCCCTCTGAGTAGAACGTGGTGACCTCCAGGAGCGGTGGGATGATGAGGGC[C>T]AGGGCGGTGCCACTCACGGAGCCCACCAGGGAGATGACCAGGTCCAGGCGGGGGATGAGG-3'
Protein context (NP_861441.2, residues 408-428): SLVGSVSGTA[Leu418=]ALIIPPLLEV